The following is an entry in ClinVar:

NM_000018.4(ACADVL):c.1127T>C (p.Phe376Ser)

Gene: ACADVL (acyl-CoA dehydrogenase very long chain; plus strand). Cytogenetic location: 17p13.1.
Variant type: single nucleotide variant.
Coding change: c.1127T>C on transcript NM_000018.4 (MANE Select); coding-DNA position 1127, T replaced by C.
Protein change: p.Phe376Ser; replaces phenylalanine 376 with serine.
Molecular consequence: missense variant.
Genome position (GRCh38, 1-based): chr17:7,223,182, T>C. VCF-style: chr17-7223182-T-C. GRCh37 (hg19) VCF-style: chr17-7126501-T-C.
Other names: c.1061T>C, p.Phe354Ser (NM_001033859.3); c.1196T>C, p.Phe399Ser (NM_001270447.2); c.899T>C, p.Phe300Ser (NM_001270448.2); short protein forms F376S, F300S, F354S, F399S.
Identifiers: ClinVar variation 203581 (VCV000203581.30), dbSNP rs758928307, ClinGen allele CA312266.

ClinVar aggregate classification (germline): Conflicting classifications of pathogenicity. Review status: criteria provided, conflicting classifications (1 of 4 stars). 8 submissions from 8 submitters: Pathogenic (2); Likely pathogenic (3); Uncertain significance (3). Last evaluated 2026-06-19.

Conditions:
Very long chain acyl-CoA dehydrogenase deficiency (ACADVLD). Also called: Very Long-Chain Acyl-Coenzyme A Dehydrogenase Deficiency; VLCAD Deficiency. Identifiers: Orphanet 26793, MedGen C3887523, MONDO:0008723, OMIM 201475.

Allele frequency attached by ClinVar (database versions not stated): gnomAD exomes below 0.00001 and 0.00001; TOPMed below 0.00001; ExAC 0.00001; gnomAD 0.00001.
gnomAD v4.1: 4 of 1,614,002 alleles (0.00025%); highest among the groups gnomAD compares: Admixed American, 0.0033%; no homozygotes.

Submissions (8):

Myriad Genetics, Inc.
Classification: Uncertain significance for Very long chain acyl-CoA dehydrogenase deficiency. Last evaluated: 2026-06-19. Review status: criteria provided, single submitter. Criteria: Myriad Autosomal Dominant, Autosomal Recessive and X-Linked Classification Criteria (2023). Collection method: clinical testing. Allele origin: unknown.
Comment: NM_000018.3(ACADVL):c.1127T>C(F376S) is a missense variant classified as a variant of uncertain significance in the context of very-long-chain acyl-CoA dehydrogenase deficiency. F376S has been observed in cases with relevant disease (PMID: 28755359, 31031081, Gardiner_2016_Thesis). Relevant functional assessments of this variant are not available in the literature. F376S has been observed in referenced population frequency databases. In summary, there is insufficient evidence to classify NM_000018.3(ACADVL):c.1127T>C(F376S) as pathogenic or benign. Please note: this variant was assessed in the context of healthy population screening.

Labcorp Genetics (formerly Invitae), Labcorp
Classification: Pathogenic for Very long chain acyl-CoA dehydrogenase deficiency. Last evaluated: 2025-12-16. Review status: criteria provided, single submitter. Criteria: Invitae Variant Classification Sherloc (09022015). Collection method: clinical testing. Allele origin: germline.
Comment: This sequence change replaces phenylalanine, which is neutral and non-polar, with serine, which is neutral and polar, at codon 376 of the ACADVL protein (p.Phe376Ser). This variant is present in population databases (rs758928307, gnomAD 0.009%). This missense change has been observed in individual(s) with very long-chain acyl-CoA dehydrogenase deficiency (PMID: 28755359, 31031081). In at least one individual the data is consistent with being in trans (on the opposite chromosome) from a pathogenic variant. ClinVar contains an entry for this variant (Variation ID: 203581). Invitae Evidence Modeling of protein sequence and biophysical properties (such as structural, functional, and spatial information, amino acid conservation, physicochemical variation, residue mobility, and thermodynamic stability) indicates that this missense variant is not expected to disrupt ACADVL protein function with a negative predictive value of 80%. For these reasons, this variant has been classified as Pathogenic.

Natera, Inc.
Classification: Likely pathogenic for Very long chain acyl-CoA dehydrogenase deficiency. Last evaluated: 2025-03-18. Review status: criteria provided, single submitter. Criteria: Natera Variant Classification Schema (03/2026). Collection method: clinical testing. Allele origin: germline.
Comment: The c.1127T>C variant in ACADVL is a missense variant predicted to cause substitution of phenylalanine to serine at amino acid 376. This variant is rare in the general population with a frequency below the threshold expected for the associated phenotype(s). This variant has been observed in one or more individuals affected with the associated recessive disease, as either homozygous or compound heterozygous with a second variant (PMID: 28755359, 31031081). This variant has been identified in one or more affected individuals with a phenotype highly consistent with the associated gene (PMID: 28755359). Computational prediction algorithms indicate this variant is likely to affect gene or protein function. Given the available evidence, this variant is classified as Likely Pathogenic.

Baylor Genetics
Classification: Likely pathogenic for Very long chain acyl-CoA dehydrogenase deficiency. Last evaluated: 2024-03-25. Review status: criteria provided, single submitter. Criteria: ACMG Guidelines, 2015. Collection method: clinical testing. Allele origin: unknown.

Fulgent Genetics
Classification: Likely pathogenic for Very long chain acyl-CoA dehydrogenase deficiency. Last evaluated: 2024-01-26. Review status: criteria provided, single submitter. Criteria: ACMG Guidelines, 2015. Collection method: clinical testing. Allele origin: germline.

Mendelics
Classification: Pathogenic for Very long chain acyl-CoA dehydrogenase deficiency. Last evaluated: 2022-05-04. Review status: criteria provided, single submitter. Criteria: Mendelics Assertion Criteria 2019. Collection method: clinical testing. Allele origin: germline.

ARUP Laboratories, Molecular Genetics and Genomics, ARUP Laboratories
Classification: Uncertain significance for Very long chain acyl-CoA dehydrogenase deficiency. Last evaluated: 2022-02-08. Review status: criteria provided, single submitter. Criteria: ARUP Molecular Germline Variant Investigation Process 2021. Collection method: clinical testing. Allele origin: germline.
Comment: The ACADVL c.1127T>C; p.Phe376Ser variant (rs758928307) is reported in the literature in several individuals affected with diagnosed or suspected VLCAD deficiency, each of whom carried a second missense variant (Merinero 2018, Rovelli 2019). This variant is found in the Latino population with an allele frequency of 0.01% (3/34586 alleles) in the Genome Aggregation Database. The phenylalanine at codon 376 is moderately conserved, and computational analyses predict that this variant is deleterious (REVEL: 0.889). However, due to limited information, the clinical significance of the p.Phe376Ser variant is uncertain at this time. References: Merinero et al. Four Years' Experience in the Diagnosis of Very Long-Chain Acyl-CoA Dehydrogenase Deficiency in Infants Detected in Three Spanish Newborn Screening Centers. JIMD Rep. 2018;39:63-74. PMID: 28755359. Rovelli et al. Clinical and biochemical outcome of patients with very long-chain acyl-CoA dehydrogenase deficiency. Mol Genet Metab. 2019 May;127(1):64-73. PMID: 31031081.

Wong Mito Lab, Molecular and Human Genetics, Baylor College of Medicine
Classification: Uncertain significance for Very long chain acyl-CoA dehydrogenase deficiency. Last evaluated: 2019-11-01. Review status: criteria provided, single submitter. Criteria: ACMG Guidelines, 2015. Collection method: clinical testing. Allele origin: germline.
Comment: The NM_000018.3:c.1127T>C (NP_000009.1:p.Phe376Ser) [GRCH38: NC_000017.11:g.7223182T>C] variant in ACADVL gene is interpretated to be Uncertain Significance based on ACMG guidelines (PMID: 25741868). This variant has been reported. This variant meets the following evidence codes reported in the ACMG guidelines: PP3

Literature cited by the submitters: PubMed 28755359 (cited by Labcorp Genetics (formerly Invitae), Labcorp and Natera, Inc.); PubMed 31031081 (cited by Labcorp Genetics (formerly Invitae), Labcorp and Natera, Inc.).